The following is an entry in ClinVar:

ClinVar aggregate classification (germline): Uncertain significance (1 of 4 stars; one submission).

Conditions:
Hereditary cancer-predisposing syndrome. Also called: Neoplastic Syndromes, Hereditary; Tumor predisposition; Hereditary Cancer Syndrome; Hereditary neoplastic syndrome. Identifiers: Orphanet 140162, MedGen C0027672, MeSH D009386, MONDO:0015356.

gnomAD v4.1: 2 of 1,613,972 alleles (0.00012%); highest among the groups gnomAD compares: South Asian, 0.0022%; no homozygotes.

Submission:

Ambry Genetics
Classification: Uncertain significance for Hereditary cancer-predisposing syndrome. Last evaluated: 2025-10-22. Review status: criteria provided, single submitter. Criteria: Ambry Variant Classification Scheme 2023. Collection method: clinical testing. Allele origin: germline.
Comment: The p.A257S variant (also known as c.769G>T), located in coding exon 6 of the BRIP1 gene, results from a G to T substitution at nucleotide position 769. The alanine at codon 257 is replaced by serine, an amino acid with similar properties. This amino acid position is well conserved in available vertebrate species. In addition, this alteration is predicted to be tolerated by in silico analysis. Based on the available evidence, the clinical significance of this variant remains unclear.

NM_032043.3(BRIP1):c.769G>T (p.Ala257Ser)

Gene: BRIP1 (BRCA1 interacting DNA helicase 1; minus strand). Cytogenetic location: 17q23.2.
Variant type: single nucleotide variant.
Coding change: c.769G>T on transcript NM_032043.3 (MANE Select); coding-DNA position 769, G replaced by T.
Protein change: p.Ala257Ser; replaces alanine 257 with serine.
Molecular consequence: missense variant.
Genome position (GRCh38, 1-based): chr17:61,808,616, C>A on the plus strand (G>T on the coding strand, the complement: BRIP1 is on the minus strand). VCF-style: chr17-61808616-C-A. GRCh37 (hg19) VCF-style: chr17-59885977-C-A.
Other names: short protein forms A257S.
Identifiers: ClinVar variation 4630933 (VCV004630933.1).
Genomic context (GRCh38, chr17:61,808,616, plus strand): 5'-AAAGAATAGTCATTGGAACCCCTGAATATGCCGTCCTCCGGAGCTCTCTAGTAATCTGAG[C>A]AATCTGCTTGTGTGTGCGTGTCCCAAAATATATTTTGGGTATCTTGGATTTCCCTGTATG-3'
Protein context (NP_114432.2, residues 247-267): YFGTRTHKQI[Ala257Ser]QITRELRRTA